The following is an entry in ClinVar:

NM_001330260.2(SCN8A):c.5834C>T (p.Pro1945Leu)

Gene: SCN8A (sodium voltage-gated channel alpha subunit 8; plus strand). Cytogenetic location: 12q13.13.
Variant type: single nucleotide variant.
Coding change: c.5834C>T on transcript NM_001330260.2 (MANE Select); coding-DNA position 5834, C replaced by T.
Protein change: p.Pro1945Leu; replaces proline 1945 with leucine.
Molecular consequence: missense variant.
Genome position (GRCh38, 1-based): chr12:51,807,320, C>T. VCF-style: chr12-51807320-C-T. GRCh37 (hg19) VCF-style: chr12-52201104-C-T.
Other names: c.5834C>T (NM_014191.3); c.5711C>T, p.Pro1904Leu (NM_001177984.3, NM_001369788.1); c.5834C>T, p.Pro1945Leu (NM_014191.4); short protein forms P1904L, P1945L.
Identifiers: ClinVar variation 1936334 (VCV001936334.6), dbSNP rs766045454, ClinGen allele CA6571959.

ClinVar aggregate classification (germline): Uncertain significance. Review status: criteria provided, multiple submitters, no conflicts (2 of 4 stars). 2 submissions from 2 submitters: Uncertain significance (2). Last evaluated 2025-10-20.

Conditions:
Early-infantile DEE. Also called: Ohtahara syndrome; Early infantile epileptic encephalopathy; Early infantile epileptic encephalopathy with suppression bursts. Identifiers: Orphanet 1934, MedGen C0393706, MONDO:0800491.

Allele frequency attached by ClinVar (database versions not stated): TOPMed below 0.00001; ExAC 0.00001; gnomAD 0.00001.
gnomAD v4.1: 3 of 1,613,718 alleles (0.00019%); highest among the groups gnomAD compares: Non-Finnish European, 0.00017%; no homozygotes.

Submissions (2):

Labcorp Genetics (formerly Invitae), Labcorp
Classification: Uncertain significance for Early-infantile DEE. Last evaluated: 2025-10-20. Review status: criteria provided, single submitter. Criteria: Invitae Variant Classification Sherloc (09022015). Collection method: clinical testing. Allele origin: germline.
Comment: This sequence change replaces proline, which is neutral and non-polar, with leucine, which is neutral and non-polar, at codon 1945 of the SCN8A protein (p.Pro1945Leu). The frequency data for this variant in the population databases is considered unreliable, as metrics indicate poor data quality at this position in the gnomAD database. This variant has not been reported in the literature in individuals affected with SCN8A-related conditions. ClinVar contains an entry for this variant (Variation ID: 1936334). Invitae Evidence Modeling of protein sequence and biophysical properties (such as structural, functional, and spatial information, amino acid conservation, physicochemical variation, residue mobility, and thermodynamic stability) has been performed for this missense variant. However, the output from this modeling did not meet the statistical confidence thresholds required to predict the impact of this variant on SCN8A protein function. In summary, the available evidence is currently insufficient to determine the role of this variant in disease. Therefore, it has been classified as a Variant of Uncertain Significance.

GeneDx
Classification: Uncertain significance. Last evaluated: 2025-05-01. Review status: criteria provided, single submitter. Criteria: GeneDx Variant Classification Process June 2021. Collection method: clinical testing. Allele origin: germline. Affected: yes.
Comment: In silico analysis supports that this missense variant has a deleterious effect on protein structure/function; Has not been previously published as pathogenic or benign to our knowledge; This substitution is predicted to be within C-terminal cytoplasmic domain